The following is an entry in ClinVar:

ClinVar aggregate classification (germline): Uncertain significance. Review status: criteria provided, multiple submitters, no conflicts (2 of 4 stars). 4 submissions from 4 submitters: Uncertain significance (4). Last evaluated 2025-12-29.

Conditions:
POLD1-related polyposis and colorectal cancer syndrome (CRCS10). Also called: Colorectal cancer 10; Colorectal cancer, susceptibility to, 10; COLORECTAL CANCER, SUSCEPTIBILITY TO, ON CHROMOSOME 19q. Identifiers: Orphanet 220460, MedGen C2675481, MONDO:0012953, OMIM 612591.
Hereditary cancer-predisposing syndrome. Also called: Neoplastic Syndromes, Hereditary; Hereditary Cancer Syndrome; Tumor predisposition; Hereditary neoplastic syndrome. Identifiers: Orphanet 140162, MedGen C0027672, MeSH D009386, MONDO:0015356.

Submissions (4):

Center for Genomic Medicine, Rigshospitalet, Copenhagen University Hospital
Classification: Uncertain significance. Last evaluated: 2025-12-29. Review status: criteria provided, single submitter. Criteria: ACMG Guidelines, 2015. Collection method: clinical testing. Allele origin: germline.

Labcorp Genetics (formerly Invitae), Labcorp
Classification: Uncertain significance for POLD1-related polyposis and colorectal cancer syndrome. Last evaluated: 2025-10-06. Review status: criteria provided, single submitter. Criteria: Invitae Variant Classification Sherloc (09022015). Collection method: clinical testing. Allele origin: germline.
Comment: This sequence change replaces arginine, which is basic and polar, with glutamine, which is neutral and polar, at codon 443 of the POLD1 protein (p.Arg443Gln). This variant is not present in population databases (gnomAD no frequency). This variant has not been reported in the literature in individuals affected with POLD1-related conditions. ClinVar contains an entry for this variant (Variation ID: 654873). Invitae Evidence Modeling of protein sequence and biophysical properties (such as structural, functional, and spatial information, amino acid conservation, physicochemical variation, residue mobility, and thermodynamic stability) indicates that this missense variant is not expected to disrupt POLD1 protein function with a negative predictive value of 80%. In summary, the available evidence is currently insufficient to determine the role of this variant in disease. Therefore, it has been classified as a Variant of Uncertain Significance.

CeGaT Center for Human Genetics Tuebingen
Classification: Uncertain significance. Last evaluated: 2025-08-01. Review status: criteria provided, single submitter. Criteria: CeGaT Center For Human Genetics Tuebingen Variant Classification Criteria Version 2. Collection method: clinical testing. Allele origin: germline. Affected: yes. Observed: 1 variant allele.
Comment: POLD1: PM2, BP4

Ambry Genetics
Classification: Uncertain significance for Hereditary cancer-predisposing syndrome. Last evaluated: 2022-03-03. Review status: criteria provided, single submitter. Criteria: Ambry Variant Classification Scheme 2023. Collection method: clinical testing. Allele origin: germline.

NM_002691.4(POLD1):c.1328G>A (p.Arg443Gln)

Gene: POLD1 (DNA polymerase delta 1, catalytic subunit; plus strand). Cytogenetic location: 19q13.33.
Variant type: single nucleotide variant.
Coding change: c.1328G>A on transcript NM_002691.4 (MANE Select); coding-DNA position 1328, G replaced by A.
Protein change: p.Arg443Gln; replaces arginine 443 with glutamine.
Molecular consequence: missense variant. On other transcripts: non-coding transcript variant (1).
Genome position (GRCh38, 1-based): chr19:50,406,267, G>A. VCF-style: chr19-50406267-G-A. GRCh37 (hg19) VCF-style: chr19-50909524-G-A.
Other names: c.1328G>A (NM_002691.2); c.1328G>A, p.Arg443Gln (NM_001256849.1, NM_001308632.1); short protein forms R443Q.
Identifiers: ClinVar variation 654873 (VCV000654873.19), dbSNP rs1601215673, ClinGen allele CA406979880.
Genomic context (GRCh38, chr19:50,406,267, plus strand): 5'-GTGTGGCCGGCCTTTGCTCCAACATCCGGGACTCTTCATTCCAGTCCAAGCAGACGGGCC[G>A]GCGGGACACCAAGGTTGTCAGCATGGTGGGCCGCGTGCAGATGGACATGCTGCAGGTATG-3'
Protein context (NP_002682.2, residues 433-453): DSSFQSKQTG[Arg443Gln]RDTKVVSMVG